The following is an entry in ClinVar:

NM_017534.6(MYH2):c.5346C>T (p.Ser1782=)

Genes: MYH2 (myosin heavy chain 2; minus strand), MYHAS (myosin heavy chain gene cluster antisense RNA; plus strand). Cytogenetic location: 17p13.1.
Variant type: single nucleotide variant.
Coding change: c.5346C>T on transcript NM_017534.6 (MANE Select); coding-DNA position 5346, C replaced by T.
Protein change: p.Ser1782=; no amino-acid change (serine 1782 retained).
Molecular consequence: synonymous variant.
Genome position (GRCh38, 1-based): chr17:10,523,622, G>A on the plus strand (C>T on the coding strand, the complement: MYH2 is on the minus strand). VCF-style: chr17-10523622-G-A. GRCh37 (hg19) VCF-style: chr17-10426939-G-A.
Other names: p.Ser1782=; c.5346C>T, p.Ser1782= (NM_001100112.2).
Identifiers: ClinVar variation 1100296 (VCV001100296.15), dbSNP rs199864744, ClinGen allele CA8390419.

ClinVar aggregate classification (germline): Likely benign. Review status: criteria provided, multiple submitters, no conflicts (2 of 4 stars). 3 submissions from 3 submitters: Likely benign (3). Last evaluated 2026-01-21.

Conditions:
Myopathy, proximal, and ophthalmoplegia (CMYO6). Also called: CONGENITAL MYOPATHY 6 WITH OPHTHALMOPLEGIA; INCLUSION BODY MYOPATHY 3, AUTOSOMAL DOMINANT; MYOPATHY WITH CONGENITAL JOINT CONTRACTURES, OPHTHALMOPLEGIA, AND RIMMED VACUOLES. Identifiers: Orphanet 363677, Orphanet 79091, MedGen C1854106, MONDO:0011577, OMIM 605637.

Allele frequency attached by ClinVar (database versions not stated): ExAC 0.00007; ESP Exome Variant Server 0.00015; 1000 Genomes Project 30x 0.00016; gnomAD exomes 0.00016 and 0.00025; 1000 Genomes Project 0.00020; TOPMed 0.00020; gnomAD 0.00023 and 0.00024.

Submissions (3):

Labcorp Genetics (formerly Invitae), Labcorp
Classification: Likely benign for Myopathy, proximal, and ophthalmoplegia. Last evaluated: 2026-01-21. Review status: criteria provided, single submitter. Criteria: Invitae Variant Classification Sherloc (09022015). Collection method: clinical testing. Allele origin: germline.

Mayo Clinic Laboratories, Mayo Clinic
Classification: Likely benign. Last evaluated: 2025-11-22. Review status: criteria provided, single submitter. Criteria: ACMG Guidelines, 2015. Collection method: clinical testing. Allele origin: germline. Observed: 1 variant allele.
Comment: BP4, BP7

CeGaT Center for Human Genetics Tuebingen
Classification: Likely benign. Last evaluated: 2025-04-01. Review status: criteria provided, single submitter. Criteria: CeGaT Center For Human Genetics Tuebingen Variant Classification Criteria Version 2. Collection method: clinical testing. Allele origin: germline. Affected: yes. Observed: 1 variant allele.
Comment: MYH2: BP4, BP7